The following is an entry in ClinVar:

ClinVar aggregate classification (germline): Uncertain significance (1 of 4 stars; one submission).

Conditions:
Infantile-onset X-linked spinal muscular atrophy. Also called: SPINAL MUSCULAR ATROPHY, X-LINKED LETHAL INFANTILE; ARTHROGRYPOSIS, X-LINKED, TYPE I; AMC, DISTAL, X-LINKED; Spinal muscular atrophy, X-linked 2; Spinal Muscular Atrophy, X-Linked Infantile. Identifiers: Orphanet 1145, MedGen C1844934, MONDO:0010532, OMIM 301830.

Allele frequency attached by ClinVar (database versions not stated): gnomAD below 0.00001 and 0.00001; gnomAD exomes below 0.00001.
gnomAD v4.1: 4 of 1,209,374 alleles (0.00033%); highest among the groups gnomAD compares: South Asian, 0.0018%; no homozygotes.

Submission:

Labcorp Genetics (formerly Invitae), Labcorp
Classification: Uncertain significance for Infantile-onset X-linked spinal muscular atrophy. Last evaluated: 2020-01-23. Review status: criteria provided, single submitter. Criteria: Invitae Variant Classification Sherloc (09022015). Collection method: clinical testing. Allele origin: germline.
Comment: In summary, the available evidence is currently insufficient to determine the role of this variant in disease. Therefore, it has been classified as a Variant of Uncertain Significance. Algorithms developed to predict the effect of missense changes on protein structure and function are either unavailable or do not agree on the potential impact of this missense change (SIFT: "Tolerated"; PolyPhen-2: "Probably Damaging"; Align-GVGD: "Class C0"). This variant has not been reported in the literature in individuals with UBA1-related conditions. This variant is not present in population databases (ExAC no frequency). This sequence change replaces proline with leucine at codon 751 of the UBA1 protein (p.Pro751Leu). The proline residue is highly conserved and there is a moderate physicochemical difference between proline and leucine.

NM_003334.4(UBA1):c.2252C>T (p.Pro751Leu)

Gene: UBA1 (ubiquitin like modifier activating enzyme 1; plus strand). Cytogenetic location: Xp11.3.
Variant type: single nucleotide variant.
Coding change: c.2252C>T on transcript NM_003334.4 (MANE Select); coding-DNA position 2252, C replaced by T.
Protein change: p.Pro751Leu; replaces proline 751 with leucine.
Molecular consequence: missense variant.
Genome position (GRCh38, 1-based): chrX:47,210,894, C>T. VCF-style: chrX-47210894-C-T. GRCh37 (hg19) VCF-style: chrX-47070293-C-T.
Other names: c.2252C>T, p.Pro751Leu (NM_153280.3); short protein forms P751L.
Identifiers: ClinVar variation 1014242 (VCV001014242.8), dbSNP rs1936888439, ClinGen allele CA412807882.